The following is an entry in ClinVar:

NM_020778.5(ALPK3):c.3292G>T (p.Glu1098Ter)

Gene: ALPK3 (alpha kinase 3; plus strand). Cytogenetic location: 15q25.3.
Variant type: single nucleotide variant.
Coding change: c.3292G>T on transcript NM_020778.5 (MANE Select); coding-DNA position 3292, G replaced by T.
Protein change: p.Glu1098Ter; replaces glutamic acid 1098 with a stop codon.
Molecular consequence: nonsense.
Genome position (GRCh38, 1-based): chr15:84,858,030, G>T. VCF-style: chr15-84858030-G-T. GRCh37 (hg19) VCF-style: chr15-85401261-G-T.
Other names: short protein forms E1098*.
Identifiers: ClinVar variation 1421174 (VCV001421174.9), dbSNP rs762559979, ClinGen allele CA7709597.
Genomic context (GRCh38, chr15:84,858,030, plus strand): 5'-GAGGAGGACCCTGGGCTGGCCTCAGAAGGAGCCAGTGAGGGTGAAGGAGAGGTTTCCCCT[G>T]AGGGGCCTGGCCTCCTGGGGGCCTCTCAGGAGAGCAGCATGGCTGGTCGACTGGGGGAGG-3'

ClinVar aggregate classification (germline): Pathogenic/Likely pathogenic. Review status: criteria provided, multiple submitters, no conflicts (2 of 4 stars). 4 submissions from 4 submitters: Pathogenic (3); Likely pathogenic (1). Last evaluated 2025-12-16.

Conditions:
Cardiomyopathy, familial hypertrophic 27. Identifiers: MedGen C4748014, MONDO:0054838, OMIM 618052.
ALPK3-related autosomal dominant hypertrophic cardiomyopathy.

Allele frequency attached by ClinVar (database versions not stated): TOPMed 0.00001; ExAC 0.00002.
gnomAD v4.1: 4 of 1,572,974 alleles (0.00025%); no homozygotes.

Submissions (4):

Laboratorio de Genetica e Diagnostico Molecular, Hospital Israelita Albert Einstein
Classification: Likely pathogenic for Cardiomyopathy, familial hypertrophic 27. Last evaluated: 2025-12-16. Review status: criteria provided, single submitter. Criteria: ACMG Guidelines, 2015. Collection method: clinical testing. Allele origin: germline. Affected: yes.
Comment: ACMG classification criteria: PVS1 very strong, PM2 supporting

Dasa
Classification: Pathogenic. Last evaluated: 2025-05-05. Review status: criteria provided, single submitter. Criteria: DASA Assertion Criteria. Collection method: clinical testing. Allele origin: germline.
Comment: NM_020778.5(ALPK3):c.3292G>T (p.Glu1098Ter) introduces a premature termination codon predicted to result in loss of normal protein function. Loss-of-function is an established mechanism of disease for this gene. This variant has been recurrently observed in individuals with related phenotype (PMID: 34263907; PMID: 27106955; PMID: 26846950; PMID: 21441111). The variant is present at low frequency in population datasets. Based on the available data, this variant is classified as pathogenic.

Labcorp Genetics (formerly Invitae), Labcorp
Classification: Pathogenic. Last evaluated: 2022-11-15. Review status: criteria provided, single submitter. Criteria: Invitae Variant Classification Sherloc (09022015). Collection method: clinical testing. Allele origin: germline.
Comment: For these reasons, this variant has been classified as Pathogenic. ClinVar contains an entry for this variant (Variation ID: 1421174). This variant has not been reported in the literature in individuals affected with ALPK3-related conditions. This variant is not present in population databases (gnomAD no frequency). This sequence change creates a premature translational stop signal (p.Glu1300*) in the ALPK3 gene. It is expected to result in an absent or disrupted protein product. Loss-of-function variants in ALPK3 are known to be pathogenic (PMID: 21441111, 26846950, 27106955, 34263907).

Clinical Genetics Service, Universitary Hospital 12 de Octubre
Classification: Pathogenic for ALPK3-related autosomal dominant hypertrophic cardiomyopathy. Review status: criteria provided, single submitter. Criteria: ACMG Guidelines, 2015. Collection method: clinical testing. Allele origin: germline. Affected: yes.

Literature cited by the submitters: PubMed 34263907 (cited by Dasa and Labcorp Genetics (formerly Invitae), Labcorp); PubMed 27106955 (cited by Dasa and Labcorp Genetics (formerly Invitae), Labcorp); PubMed 26846950 (cited by Dasa and Labcorp Genetics (formerly Invitae), Labcorp); PubMed 21441111 (cited by Dasa and Labcorp Genetics (formerly Invitae), Labcorp).